The following is an entry in ClinVar:

ClinVar aggregate classification (germline): Uncertain significance (1 of 4 stars; one submission).

Submission:

GeneDx
Classification: Uncertain significance. Last evaluated: 2022-07-08. Review status: criteria provided, single submitter. Criteria: GeneDx Variant Classification Process June 2021. Collection method: clinical testing. Allele origin: germline. Affected: yes.
Comment: Not observed at significant frequency in large population cohorts (gnomAD); Frameshift variant predicted to result in protein truncation or nonsense mediated decay in a gene or region of a gene for which loss of function is not a well-established mechanism of disease; Has not been previously published as pathogenic or benign to our knowledge

NM_018026.4(PACS1):c.1050del (p.Leu351fs)

Gene: PACS1 (phosphofurin acidic cluster sorting protein 1; plus strand). Cytogenetic location: 11q13.2.
Variant type: Deletion.
Coding change: c.1050del on transcript NM_018026.4 (MANE Select); coding-DNA position 1050, one base deleted (G; older notation c.1050delG).
Protein change: p.Leu351fs; shifts the reading frame from leucine 351.
Molecular consequence: frameshift variant.
Genome position (GRCh38, 1-based): chr11:66,220,642, G deleted; the last of 3 consecutive G bases (chr11:66,220,640-66,220,642); deleting any one gives the same sequence. VCF-style (leftmost placement, unchanged base first): chr11-66220639-TG-T. GRCh37 (hg19) VCF-style: chr11-65988110-TG-T.
Other names: short protein forms L351fs.
Identifiers: ClinVar variation 1810746 (VCV001810746.1), dbSNP rs2495560867, ClinGen allele CA2580084529.